The following is an entry in ClinVar:

ClinVar aggregate classification (germline): Uncertain significance (1 of 4 stars; one submission).

Conditions:
Familial hemophagocytic lymphohistiocytosis 5. Also called: STXBP2-Related Familial Hemophagocytic Lymphohistiocytosis (STXBP2-fHLH). Identifiers: Orphanet 540, MedGen C2751293, MONDO:0013135, OMIM 613101.

Allele frequency attached by ClinVar (database versions not stated): gnomAD exomes below 0.00001; TOPMed below 0.00001.

Submission:

Labcorp Genetics (formerly Invitae), Labcorp
Classification: Uncertain significance for Familial hemophagocytic lymphohistiocytosis 5. Last evaluated: 2023-12-13. Review status: criteria provided, single submitter. Criteria: Invitae Variant Classification Sherloc (09022015). Collection method: clinical testing. Allele origin: germline.
Comment: This variant, c.1735_1752dup, results in the insertion of 6 amino acid(s) of the STXBP2 protein (p.Asp579_Asp584dup), but otherwise preserves the integrity of the reading frame. This variant is not present in population databases (gnomAD no frequency). This variant has not been reported in the literature in individuals affected with STXBP2-related conditions. In summary, the available evidence is currently insufficient to determine the role of this variant in disease. Therefore, it has been classified as a Variant of Uncertain Significance.

NM_006949.4(STXBP2):c.1735_1752dup (p.Asp584_Lys585insAspLeuLysAlaLeuAsp)

Gene: STXBP2 (syntaxin binding protein 2; plus strand). Cytogenetic location: 19p13.2.
Variant type: Duplication.
Coding change: c.1735_1752dup on transcript NM_006949.4 (MANE Select); coding-DNA positions 1735 to 1752, 18 bases duplicated (GACCTGAAGGCACTGGAC).
Protein change: p.Asp584_Lys585insAspLeuLysAlaLeuAsp.
Molecular consequence: inframe insertion. On other transcripts: non-coding transcript variant (1).
Genome position (GRCh38, 1-based): chr19:7,647,763-7,647,780, GACCTGAAGGCACTGGAC duplicated. VCF-style (leftmost placement, unchanged base first): chr19-7647762-T-TGACCTGAAGGCACTGGAC. GRCh37 (hg19) VCF-style: chr19-7712648-T-TGACCTGAAGGCACTGGAC.
Other names: c.1726_1743dup, p.Asp581_Lys582insAspLeuLysAlaLeuAsp (NM_001127396.3); c.1768_1785dup, p.Asp595_Lys596insAspLeuLysAlaLeuAsp (NM_001272034.2); c.1639_1656dup, p.Asp552_Lys553insAspLeuLysAlaLeuAsp (NM_001414484.1).
Identifiers: ClinVar variation 2697739 (VCV002697739.1), dbSNP rs2032196261, ClinGen allele CA2321025088.
Genomic context (GRCh38, chr19:7,647,762, plus strand): 5'-CCCAAACCTCTGCCCCTGCACAGGCTCCTCACACATCCTCACCCCGACCCGCTTCCTGGA[T>TGACCTGAAGGCACTGGAC]GACCTGAAGGCACTGGACAAGAAGCTGGAGGACATTGCCCTGCCCTGACCCCTGGCCCCG-3'